The following is an entry in ClinVar:

ClinVar aggregate classification (germline): Pathogenic (1 of 4 stars; one submission).

Submission:

Labcorp Genetics (formerly Invitae), Labcorp
Classification: Pathogenic. Last evaluated: 2022-07-05. Review status: criteria provided, single submitter. Criteria: Invitae Variant Classification Sherloc (09022015). Collection method: clinical testing. Allele origin: germline.
Comment: For these reasons, this variant has been classified as Pathogenic. Algorithms developed to predict the effect of sequence changes on RNA splicing suggest that this variant may create or strengthen a splice site. ClinVar contains an entry for this variant (Variation ID: 1456076). This variant has not been reported in the literature in individuals affected with WDR62-related conditions. This variant is not present in population databases (gnomAD no frequency). This sequence change creates a premature translational stop signal (p.Ser704*) in the WDR62 gene. It is expected to result in an absent or disrupted protein product. Loss-of-function variants in WDR62 are known to be pathogenic (PMID: 20729831).

Literature cited by the submitters: PubMed 20729831.

NM_001083961.2(WDR62):c.2111C>A (p.Ser704Ter)

Gene: WDR62 (WD repeat domain 62; plus strand). Cytogenetic location: 19q13.12.
Variant type: single nucleotide variant.
Coding change: c.2111C>A on transcript NM_001083961.2 (MANE Select); coding-DNA position 2111, C replaced by A.
Protein change: p.Ser704Ter; replaces serine 704 with a stop codon.
Molecular consequence: nonsense.
Genome position (GRCh38, 1-based): chr19:36,091,276, C>A. VCF-style: chr19-36091276-C-A. GRCh37 (hg19) VCF-style: chr19-36582178-C-A.
Other names: c.2111C>A, p.Ser704Ter (NM_173636.5); short protein forms S704*.
Identifiers: ClinVar variation 1456076 (VCV001456076.6), dbSNP rs750547223, ClinGen allele CA405443112.